The following is an entry in ClinVar:

ClinVar aggregate classification (germline): Pathogenic. Review status: reviewed by expert panel (3 of 4 stars). 4 submissions from 4 submitters: Pathogenic (1). 3 of the submissions do not count toward it. Last evaluated 2016-09-08.

Conditions:
Hereditary breast ovarian cancer syndrome. Also called: Hereditary breast and ovarian cancer syndrome; Hereditary breast and ovarian cancer syndrome (HBOC); BRCA1- and BRCA2-Associated Hereditary Breast and Ovarian Cancer; Breast and ovarian cancer; Hereditary breast and ovarian cancer; Hereditary breast and/or ovarian cancer syndrome. Identifiers: Orphanet 145, MedGen C0677776, MeSH D061325, MONDO:0003582. Disease mechanism: loss of function.
Breast-ovarian cancer, familial, susceptibility to, 1 (BROVCA1). Also called: OVARIAN CANCER, SUSCEPTIBILITY TO; BRCA1 Hereditary Breast and Ovarian Cancer. Identifiers: Orphanet 145, MedGen C2676676, MONDO:0011450, OMIM 604370. Disease mechanism: loss of function.
Hereditary cancer-predisposing syndrome. Also called: Hereditary Cancer Syndrome; Hereditary neoplastic syndrome; Tumor predisposition; Neoplastic Syndromes, Hereditary. Identifiers: Orphanet 140162, MedGen C0027672, MeSH D009386, MONDO:0015356.

Submissions (4):

Evidence-based Network for the Interpretation of Germline Mutant Alleles (ENIGMA)
Classification: Pathogenic for Breast-ovarian cancer, familial, susceptibility to, 1. Last evaluated: 2016-09-08. Review status: reviewed by expert panel. Criteria: ENIGMA BRCA1/2 Classification Criteria (2015). Collection method: curation. Allele origin: germline.
Comment: Variant allele predicted to encode a truncated non-functional protein.

Labcorp Genetics (formerly Invitae), Labcorp
Classification: Pathogenic for Hereditary breast ovarian cancer syndrome. Last evaluated: 2024-11-12. Review status: criteria provided, single submitter. Criteria: Invitae Variant Classification Sherloc (09022015). Collection method: clinical testing. Allele origin: germline. Not counted in ClinVar's aggregate classification.
Comment: This sequence change creates a premature translational stop signal (p.Ser140Glufs*2) in the BRCA1 gene. It is expected to result in an absent or disrupted protein product. Loss-of-function variants in BRCA1 are known to be pathogenic (PMID: 20104584). This variant is not present in population databases (gnomAD no frequency). This variant has not been reported in the literature in individuals affected with BRCA1-related conditions. ClinVar contains an entry for this variant (Variation ID: 187048). For these reasons, this variant has been classified as Pathogenic.

Ambry Genetics
Classification: Pathogenic for Hereditary cancer-predisposing syndrome. Last evaluated: 2023-04-24. Review status: criteria provided, single submitter. Criteria: Ambry Variant Classification Scheme 2023. Collection method: clinical testing. Allele origin: germline. Not counted in ClinVar's aggregate classification.
Comment: The c.416dupA pathogenic mutation, located in coding exon 5 of the BRCA1 gene, results from a duplication of A at nucleotide position 416, causing a translational frameshift with a predicted alternate stop codon (p.S140Efs*2). This alteration was identified in a large, worldwide study of BRCA1/2 mutation positive families (Rebbeck TR et al. Hum Mutat, 2018 May;39:593-620). This variant is considered to be rare based on population cohorts in the Genome Aggregation Database (gnomAD). In addition to the clinical data presented in the literature, this alteration is expected to result in loss of function by premature protein truncation or nonsense-mediated mRNA decay. As such, this alteration is interpreted as a disease-causing mutation.

Consortium of Investigators of Modifiers of BRCA1/2 (CIMBA), c/o University of Cambridge
Classification: Pathogenic for Breast-ovarian cancer, familial, susceptibility to, 1. Last evaluated: 2015-10-02. Review status: criteria provided, single submitter. Criteria: CIMBA Mutation Classification guidelines May 2016. Collection method: clinical testing. Allele origin: germline. Not counted in ClinVar's aggregate classification.

Literature cited by the submitters: PubMed 20104584 (cited by Labcorp Genetics (formerly Invitae), Labcorp); PubMed 29446198 (cited by Ambry Genetics).

NM_007294.4(BRCA1):c.416dup (p.Ser140fs)

Gene: BRCA1 (BRCA1 DNA repair associated; minus strand). Cytogenetic location: 17q21.31.
Variant type: Duplication.
Coding change: c.416dup on transcript NM_007294.4 (MANE Select); coding-DNA position 416, one base duplicated (A; older notation c.416dupA).
Protein change: p.Ser140fs; shifts the reading frame from serine 140.
Molecular consequence: frameshift variant. On other transcripts: non-coding transcript variant (1).
Genome position (GRCh38, 1-based): chr17:43,104,147, T duplicated on the plus strand (A on the coding strand, the reverse complement: BRCA1 is on the minus strand). VCF-style (leftmost placement, unchanged base first): chr17-43104146-C-CT. GRCh37 (hg19) VCF-style: chr17-41256163-C-CT.
Other names: c.416dupA (NM_007294.3); c.275dup, p.Ser93Glufs (NM_001407737.1, NM_001407738.1, NM_001407739.1 and 98 more transcripts); c.206dup, p.Ser70Glufs (NM_001407853.1, NM_001407879.1, NM_001407881.1 and 58 more transcripts); c.416dup, p.Ser140Glufs (NM_001407854.1, NM_001407858.1, NM_001407859.1 and 163 more transcripts); c.338dup, p.Ser114Glufs (NM_001407862.1, NM_001407874.1, NM_001407875.1 and 21 more transcripts); c.35dup, p.Ser13Glufs (NM_001407959.1, NM_001407960.1, NM_001407962.1 and 4 more transcripts); c.407dup, p.Ser137Glufs (NM_001408408.1, NM_001407646.1, NM_001407647.1); c.284dup, p.Ser96Glufs (NM_001408451.1); and 2 more; short protein forms S140fs, S93fs.
Identifiers: ClinVar variation 187048 (VCV000187048.14), dbSNP rs786203432, ClinGen allele CA196590.
Genomic context (GRCh38, chr17:43,104,146, plus strand): 5'-GAAGAAGAAGAAGAAGAAGAAAACAAATGGTTTTACCAAGGAAGGATTTTCGGGTTCACT[C>CT]TGTAGAAGTCTTTTGGCACGGTTTCTGTAGCCCATACTTTGGATGATAGAAACTTCATCT-3'